The following is an entry in ClinVar:

ClinVar aggregate classification (germline): Likely benign. Review status: criteria provided, multiple submitters, no conflicts (2 of 4 stars). 3 submissions from 3 submitters: Likely benign (2). 1 of the submissions does not count toward it. Last evaluated 2023-08-02.

Conditions:
DNAH11-related disorder. Also called: DNAH11-related condition.
Primary ciliary dyskinesia. Also called: Ciliary dyskinesia. Identifiers: Orphanet 244, MedGen C0008780, MONDO:0016575, HP:0012265.

Allele frequency attached by ClinVar (database versions not stated): TOPMed below 0.00001.
gnomAD v4.1: 7 of 1,611,916 alleles (0.00043%); highest among the groups gnomAD compares: Non-Finnish European, 0.00059%; no homozygotes.

Submissions (3):

Labcorp Genetics (formerly Invitae), Labcorp
Classification: Likely benign for Primary ciliary dyskinesia. Last evaluated: 2023-08-02. Review status: criteria provided, single submitter. Criteria: Invitae Variant Classification Sherloc (09022015). Collection method: clinical testing. Allele origin: germline.

Blueprint Genetics
Classification: Likely benign. Last evaluated: 2020-02-12. Review status: criteria provided, single submitter. Criteria: ACMG Guidelines, 2015. Collection method: clinical testing. Allele origin: germline.

PreventionGenetics, part of Exact Sciences
Classification: Likely benign for DNAH11-related condition. Last evaluated: 2023-12-04. Review status: no assertion criteria provided. Collection method: clinical testing. Allele origin: germline. Not counted in ClinVar's aggregate classification.
Comment: This variant is classified as likely benign based on ACMG/AMP sequence variant interpretation guidelines (Richards et al. 2015 PMID: 25741868, with internal and published modifications).

NM_001277115.2(DNAH11):c.7308A>G (p.Lys2436=)

Gene: DNAH11 (dynein axonemal heavy chain 11; plus strand). Cytogenetic location: 7p15.3.
Variant type: single nucleotide variant.
Coding change: c.7308A>G on transcript NM_001277115.2 (MANE Select); coding-DNA position 7308, A replaced by G.
Protein change: p.Lys2436=; no amino-acid change (lysine 2436 retained).
Molecular consequence: synonymous variant.
Genome position (GRCh38, 1-based): chr7:21,725,852, A>G. VCF-style: chr7-21725852-A-G. GRCh37 (hg19) VCF-style: chr7-21765470-A-G.
Identifiers: ClinVar variation 454705 (VCV000454705.12), dbSNP rs1459663021, ClinGen allele CA453966444.